The following is an entry in ClinVar:

ClinVar aggregate classification (germline): Uncertain significance (1 of 4 stars; one submission).

Conditions:
Werner syndrome (WRN). Identifiers: Orphanet 902, MedGen C0043119, MONDO:0010196, OMIM 277700.

Submission:

Labcorp Genetics (formerly Invitae), Labcorp
Classification: Uncertain significance for Werner syndrome. Last evaluated: 2019-09-27. Review status: criteria provided, single submitter. Criteria: Invitae Variant Classification Sherloc (09022015). Collection method: clinical testing. Allele origin: germline.
Comment: In summary, the available evidence is currently insufficient to determine the role of this variant in disease. Therefore, it has been classified as a Variant of Uncertain Significance. Algorithms developed to predict the effect of missense changes on protein structure and function output the following: SIFT: "Tolerated"; PolyPhen-2: "Benign"; Align-GVGD: "Class C0". The threonine amino acid residue is found in multiple mammalian species, suggesting that this missense change does not adversely affect protein function. These predictions have not been confirmed by published functional studies and their clinical significance is uncertain. This variant has not been reported in the literature in individuals with WRN-related conditions. This variant is not present in population databases (ExAC no frequency). This sequence change replaces isoleucine with threonine at codon 305 of the WRN protein (p.Ile305Thr). The isoleucine residue is weakly conserved and there is a moderate physicochemical difference between isoleucine and threonine.

NM_000553.6(WRN):c.914T>C (p.Ile305Thr)

Gene: WRN (WRN RecQ like helicase; plus strand). Cytogenetic location: 8p12.
Variant type: single nucleotide variant.
Coding change: c.914T>C on transcript NM_000553.6 (MANE Select); coding-DNA position 914, T replaced by C.
Protein change: p.Ile305Thr; replaces isoleucine 305 with threonine.
Molecular consequence: missense variant.
Genome position (GRCh38, 1-based): chr8:31,080,941, T>C. VCF-style: chr8-31080941-T-C. GRCh37 (hg19) VCF-style: chr8-30938457-T-C.
Other names: short protein forms I305T.
Identifiers: ClinVar variation 938474 (VCV000938474.4), dbSNP rs1813279085, ClinGen allele CA370919860.